The following is an entry in ClinVar:

ClinVar aggregate classification (germline): Conflicting classifications of pathogenicity. Review status: criteria provided, conflicting classifications (1 of 4 stars). 4 submissions from 4 submitters: Likely pathogenic (2); Uncertain significance (1). 1 of the submissions does not count toward it. Last evaluated 2024-05-16.

Conditions:
6-Pyruvoyl-tetrahydrobiopterin synthase deficiency. Also called: PTS DEFICIENCY; HYPERPHENYLALANINEMIA, TETRAHYDROBIOPTERIN-DEFICIENT, DUE TO PTS DEFICIENCY; Hyperphenylalanemia, BH4-deficient, A; Hyperphenylalaninemia due to 6-pyruvoyl-tetrahydropterin synthase deficiency; 6-Pyruvoyltetrahydropterin Synthase Deficiency; BH4-deficient hyperphenylalaninemia A. Identifiers: Orphanet 13, Orphanet 238583, MedGen C0878676, MONDO:0009863, OMIM 261640.

Allele frequency attached by ClinVar (database versions not stated): gnomAD exomes below 0.00001.
gnomAD v4.1: 2 of 1,613,064 alleles (0.00012%); highest among the groups gnomAD compares: East Asian, 0.0045%; no homozygotes.

Submissions (4):

Fulgent Genetics
Classification: Likely pathogenic for 6-Pyruvoyl-tetrahydrobiopterin synthase deficiency. Last evaluated: 2024-05-16. Review status: criteria provided, single submitter. Criteria: ACMG Guidelines, 2015. Collection method: clinical testing. Allele origin: germline.

Women's Health and Genetics/Laboratory Corporation of America, LabCorp
Classification: Likely pathogenic for 6-Pyruvoyl-tetrahydrobiopterin synthase deficiency. Last evaluated: 2024-05-15. Review status: criteria provided, single submitter. Criteria: LabCorp Variant Classification Summary - May 2015. Collection method: clinical testing. Allele origin: germline.
Comment: Variant summary: PTS c.340A>G (p.Ile114Val) results in a conservative amino acid change in the encoded protein sequence. Three of five in-silico tools predict a benign effect of the variant on protein function. The variant was absent in 250116 control chromosomes (gnomAD). c.340A>G has been reported in the literature in homozygous individuals affected with 6-Pyruvoyl-Tetrahydropterin Synthase Deficiency, one of which had a milder form of the disease (Ashida_1994, Hanihara_1997). These data indicate that the variant is likely to be associated with disease. To our knowledge, no experimental evidence demonstrating an impact on protein function has been reported. The following publications have been ascertained in the context of this evaluation (PMID: 7698774, 9159737). ClinVar contains an entry for this variant (Variation ID: 558723). Based on the evidence outlined above, the variant was classified as likely pathogenic.

Genome-Nilou Lab
Classification: Uncertain significance for 6-Pyruvoyl-tetrahydrobiopterin synthase deficiency. Last evaluated: 2021-09-05. Review status: criteria provided, single submitter. Criteria: ACMG Guidelines, 2015. Collection method: clinical testing. Allele origin: germline. Affected: no.

Counsyl
Classification: Uncertain significance for 6-Pyruvoyl-tetrahydrobiopterin synthase deficiency. Last evaluated: 2018-06-07. Review status: no assertion criteria provided. Collection method: clinical testing. Allele origin: unknown. Not counted in ClinVar's aggregate classification.

Literature cited by the submitters: PubMed 7698774 (cited by Women's Health and Genetics/Laboratory Corporation of America, LabCorp and Counsyl); PubMed 9159737 (cited by Women's Health and Genetics/Laboratory Corporation of America, LabCorp and Counsyl).

NM_000317.3(PTS):c.340A>G (p.Ile114Val)

Gene: PTS (6-pyruvoyltetrahydropterin synthase; plus strand). Cytogenetic location: 11q23.1.
Variant type: single nucleotide variant.
Coding change: c.340A>G on transcript NM_000317.3 (MANE Select); coding-DNA position 340, A replaced by G.
Protein change: p.Ile114Val; replaces isoleucine 114 with valine.
Molecular consequence: missense variant.
Genome position (GRCh38, 1-based): chr11:112,233,457, A>G. VCF-style: chr11-112233457-A-G. GRCh37 (hg19) VCF-style: chr11-112104180-A-G.
Other names: short protein forms I114V.
Identifiers: ClinVar variation 558723 (VCV000558723.10), dbSNP rs1555198495, ClinGen allele CA382627992.